The following is an entry in ClinVar:

NM_001082971.2(DDC):c.212G>T (p.Trp71Leu)

Genes: DDC (dopa decarboxylase; minus strand), DDC-AS1 (DDC antisense RNA 1; plus strand). Cytogenetic location: 7p12.1.
Variant type: single nucleotide variant.
Coding change: c.212G>T on transcript NM_001082971.2 (MANE Select); coding-DNA position 212, G replaced by T.
Protein change: p.Trp71Leu; replaces tryptophan 71 with leucine.
Molecular consequence: missense variant. On other transcripts: non-coding transcript variant (1), intron variant (2).
Genome position (GRCh38, 1-based): chr7:50,540,018, C>A on the plus strand (G>T on the coding strand, the complement: DDC is on the minus strand). VCF-style: chr7-50540018-C-A. GRCh37 (hg19) VCF-style: chr7-50607716-C-A.
Other names: c.212G>T, p.Trp71Leu (NM_000790.4, NM_001242887.2, NM_001242889.2 and 1 more transcripts); c.201+3867G>T (NM_001242888.2); c.202-2039G>T (NM_001242886.2); short protein forms W71L.
Identifiers: ClinVar variation 1419681 (VCV001419681.8), dbSNP rs1220708031, ClinGen allele CA367529957.

ClinVar aggregate classification (germline): Uncertain significance (1 of 4 stars; one submission).

Conditions:
Deficiency of aromatic-L-amino-acid decarboxylase. Also called: Aromatic L-Amino Acid Decarboxylase Deficiency; DDC DEFICIENCY; DOPA DECARBOXYLASE DEFICIENCY; Aromatic amino acid decarboxylase deficiency; AADC DEFICIENCY. Identifiers: Orphanet 35708, MedGen C1291564, MONDO:0012084, OMIM 608643.

Submission:

Labcorp Genetics (formerly Invitae), Labcorp
Classification: Uncertain significance for Deficiency of aromatic-L-amino-acid decarboxylase. Last evaluated: 2020-11-23. Review status: criteria provided, single submitter. Criteria: Invitae Variant Classification Sherloc (09022015). Collection method: clinical testing. Allele origin: germline.
Comment: This sequence change replaces tryptophan with leucine at codon 71 of the DDC protein (p.Trp71Leu). The tryptophan residue is highly conserved and there is a small physicochemical difference between tryptophan and leucine. This variant is not present in population databases (ExAC no frequency). This variant has not been reported in the literature in individuals with DDC-related conditions. Algorithms developed to predict the effect of missense changes on protein structure and function are either unavailable or do not agree on the potential impact of this missense change (SIFT: "Deleterious"; PolyPhen-2: "Probably Damaging"; Align-GVGD: "Class C0"). In summary, the available evidence is currently insufficient to determine the role of this variant in disease. Therefore, it has been classified as a Variant of Uncertain Significance.